The following is an entry in ClinVar:

NM_152564.5(VPS13B):c.5351_5352dup (p.Gln1785fs)

Gene: VPS13B (vacuolar protein sorting 13 homolog B; plus strand). Cytogenetic location: 8q22.2.
Variant type: Microsatellite.
Coding change: c.5351_5352dup on transcript NM_152564.5 (MANE Select); coding-DNA positions 5351 to 5352, 2 bases duplicated (AG; older notation c.5351_5352dupAG).
Protein change: p.Gln1785fs; shifts the reading frame from glutamine 1785.
Molecular consequence: frameshift variant.
Genome position (GRCh38, 1-based): chr8:99,641,941-99,641,942, AG duplicated; duplicating any 2 consecutive bases within chr8:99,641,939-99,641,942 gives the same sequence; the c. name uses the placement nearest the transcript's 3' end. VCF-style (leftmost placement, unchanged base first): chr8-99641938-T-TAG. GRCh37 (hg19) VCF-style: chr8-100654166-T-TAG.
Other names: c.5426_5427dupAG (NM_017890.4); c.5426_5427dup, p.Gln1810fs (NM_017890.5); short protein forms Q1810fs, Q1785fs.
Identifiers: ClinVar variation 56673 (VCV000056673.8), dbSNP rs180177363, ClinGen allele CA264099.

ClinVar aggregate classification (germline): Pathogenic. Review status: criteria provided, single submitter (1 of 4 stars). 4 submissions from 4 submitters: Pathogenic (1). 3 of the submissions do not count toward it. Last evaluated 2022-04-28.

Conditions:
Cohen syndrome (COH1). Also called: PEPPER SYNDROME; Cutis verticis gyrata, retinitis pigmentosa, and sensorineural deafness. Identifiers: Orphanet 193, MedGen C0265223, MONDO:0008999, OMIM 216550.

Submissions (4):

Labcorp Genetics (formerly Invitae), Labcorp
Classification: Pathogenic for Cohen syndrome. Last evaluated: 2022-04-28. Review status: criteria provided, single submitter. Criteria: Invitae Variant Classification Sherloc (09022015). Collection method: clinical testing. Allele origin: germline.
Comment: This sequence change creates a premature translational stop signal (p.Gln1810Serfs*21) in the VPS13B gene. It is expected to result in an absent or disrupted protein product. Loss-of-function variants in VPS13B are known to be pathogenic (PMID: 15141358, 16648375, 20461111). This variant is not present in population databases (gnomAD no frequency). This premature translational stop signal has been observed in individual(s) with VPS13B-related conditions (PMID: 12730828, 30843084). ClinVar contains an entry for this variant (Variation ID: 56673). For these reasons, this variant has been classified as Pathogenic.

Counsyl
Classification: Likely pathogenic for Cohen syndrome. Last evaluated: 2014-06-23. Review status: no assertion criteria provided. Collection method: literature only. Allele origin: unknown. Inheritance: Autosomal recessive inheritance. Not counted in ClinVar's aggregate classification.

Juha Muilu Group; Institute for Molecular Medicine Finland (FIMM)
Classification: Likely pathogenic for Cohen syndrome. Review status: no assertion criteria provided. Collection method: not provided. Allele origin: unknown. Not counted in ClinVar's aggregate classification.
Comment: FinDis database variant: This variant was not found or characterized by our laboratory, data were collected from public sources: see reference
ClinVar note: Converted during submission from probable-pathogenic to Likely pathogenic.

SNPedia
Classification: Pathogenic. Review status: no assertion criteria provided. Collection method: not provided. Allele origin: germline. Not counted in ClinVar's aggregate classification.
ClinVar note: Converted during submission from pathogenic to Pathogenic.

Literature cited by the submitters: PubMed 15141358 (cited by Labcorp Genetics (formerly Invitae), Labcorp); PubMed 16648375 (cited by Labcorp Genetics (formerly Invitae), Labcorp and Counsyl); PubMed 20461111 (cited by Labcorp Genetics (formerly Invitae), Labcorp); PubMed 12730828 (cited by Labcorp Genetics (formerly Invitae), Labcorp and Counsyl); PubMed 30843084 (cited by Labcorp Genetics (formerly Invitae), Labcorp); PubMed 20656880 (cited by Counsyl).